The following is an entry in ClinVar:

NM_018906.3(PCDHA3):c.2394+61A>G

Genes: PCDHA1 (protocadherin alpha 1; plus strand), PCDHA2 (protocadherin alpha 2; plus strand), PCDHA3 (protocadherin alpha 3; plus strand), PCDHA@ (protocadherin alpha cluster, complex locus; plus strand). Cytogenetic location: 5q31.3.
Variant type: single nucleotide variant.
Coding change: c.2394+61A>G on transcript NM_018906.3 (MANE Select); 61 bases into the intron after coding-DNA position 2394, A replaced by G.
Molecular consequence: intron variant. On other transcripts: missense variant (1).
Genome position (GRCh38, 1-based): chr5:140,803,652, A>G. VCF-style: chr5-140803652-A-G. GRCh37 (hg19) VCF-style: chr5-140183237-A-G.
Other names: c.2455A>G, p.Thr819Ala (NM_031497.2); c.2394+14968A>G (NM_018900.4); c.1602+15760A>G (NM_031411.3); c.2388+6300A>G (NM_018905.3); c.2389-1408A>G (NM_031496.2); short protein forms T819A.
Identifiers: ClinVar variation 3041765 (VCV003041765.2), dbSNP rs17844265, ClinGen allele CA3446777.

ClinVar aggregate classification (germline): Benign (0 of 4 stars; one submission).

Conditions:
PCDHA3-related disorder. Also called: PCDHA3-related condition.

Allele frequency attached by ClinVar (database versions not stated): ESP Exome Variant Server 0.00046; gnomAD exomes 0.00248; 1000 Genomes Project 30x 0.00437; 1000 Genomes Project 0.00459; TOPMed 0.00552; ExAC 0.00871; gnomAD 0.00365.
gnomAD v4.1: 4,144 of 1,610,988 alleles (0.26%); highest among the groups gnomAD compares: Admixed American, 4.5%; 100 homozygotes.

Submission:

PreventionGenetics, part of Exact Sciences
Classification: Benign for PCDHA3-related condition. Last evaluated: 2019-07-11. Review status: no assertion criteria provided. Collection method: clinical testing. Allele origin: germline.
Comment: This variant is classified as benign based on ACMG/AMP sequence variant interpretation guidelines (Richards et al. 2015 PMID: 25741868, with internal and published modifications).